The following is an entry in ClinVar:

ClinVar aggregate classification (germline): Benign/Likely benign. Review status: criteria provided, multiple submitters, no conflicts (2 of 4 stars). 6 submissions from 6 submitters: Benign (2); Likely benign (2). 2 of the submissions do not count toward it. Last evaluated 2026-01-28.

Conditions:
COL7A1-related disorder. Also called: COL7A1-related condition; COL7A1- related disorders.
Epidermolysis bullosa dystrophica. Also called: Dystrophic epidermolysis bullosa, Hallopeau-Siemens type (formerly); Dystrophic epidermolysis bullosa. Identifiers: Orphanet 303, MedGen C0079294, MONDO:0006543.

Allele frequency attached by ClinVar (database versions not stated): gnomAD exomes 0.00030; ExAC 0.00036; TOPMed 0.00089; gnomAD 0.00096; 1000 Genomes Project 0.00120; ESP Exome Variant Server 0.00123; 1000 Genomes Project 30x 0.00125.
gnomAD v4.1: 445 of 1,614,090 alleles (0.028%); highest among the groups gnomAD compares: African/African-American, 0.35%; 2 homozygotes.

Submissions (6):

Labcorp Genetics (formerly Invitae), Labcorp
Classification: Benign. Last evaluated: 2026-01-28. Review status: criteria provided, single submitter. Criteria: Invitae Variant Classification Sherloc (09022015). Collection method: clinical testing. Allele origin: germline.

Women's Health and Genetics/Laboratory Corporation of America, LabCorp
Classification: Likely benign. Last evaluated: 2025-09-25. Review status: criteria provided, single submitter. Criteria: LabCorp Variant Classification Summary - May 2015. Collection method: clinical testing. Allele origin: germline.

Blueprint Genetics
Classification: Likely benign. Last evaluated: 2024-08-30. Review status: criteria provided, single submitter. Criteria: ACMG Guidelines, 2015. Collection method: clinical testing. Allele origin: germline.

Breakthrough Genomics
Classification: Benign. Review status: criteria provided, single submitter. Criteria: ACMG Guidelines, 2015. Collection method: not provided. Allele origin: germline. Inheritance: Autosomal recessive inheritance. Affected: yes.

PreventionGenetics, part of Exact Sciences
Classification: Likely benign for COL7A1-related condition. Last evaluated: 2019-11-06. Review status: no assertion criteria provided. Collection method: clinical testing. Allele origin: germline. Not counted in ClinVar's aggregate classification.
Comment: This variant is classified as likely benign based on ACMG/AMP sequence variant interpretation guidelines (Richards et al. 2015 PMID: 25741868, with internal and published modifications).

Natera, Inc.
Classification: Likely benign for Dystrophic epidermolysis bullosa. Last evaluated: 2019-10-24. Review status: no assertion criteria provided. Collection method: clinical testing. Allele origin: germline. Not counted in ClinVar's aggregate classification.

NM_000094.4(COL7A1):c.1191C>G (p.Thr397=)

Gene: COL7A1 (collagen type VII alpha 1 chain; minus strand). Cytogenetic location: 3p21.31.
Variant type: single nucleotide variant.
Coding change: c.1191C>G on transcript NM_000094.4 (MANE Select); coding-DNA position 1191, C replaced by G.
Protein change: p.Thr397=; no amino-acid change (threonine 397 retained).
Molecular consequence: synonymous variant.
Genome position (GRCh38, 1-based): chr3:48,592,151, G>C on the plus strand (C>G on the coding strand, the complement: COL7A1 is on the minus strand). VCF-style: chr3-48592151-G-C. GRCh37 (hg19) VCF-style: chr3-48629584-G-C.
Identifiers: ClinVar variation 725784 (VCV000725784.16), dbSNP rs143270071, ClinGen allele CA2381302.